The following is an entry in ClinVar:

NM_000132.4(F8):c.3626A>G (p.Gln1209Arg)

Gene: F8 (coagulation factor VIII; minus strand). Cytogenetic location: Xq28.
Variant type: single nucleotide variant.
Coding change: c.3626A>G on transcript NM_000132.4 (MANE Select); coding-DNA position 3626, A replaced by G.
Protein change: p.Gln1209Arg; replaces glutamine 1209 with arginine.
Molecular consequence: missense variant.
Genome position (GRCh38, 1-based): chrX:154,930,164, T>C on the plus strand (A>G on the coding strand, the complement: F8 is on the minus strand). VCF-style: chrX-154930164-T-C. GRCh37 (hg19) VCF-style: chrX-154158439-T-C.
Other names: short protein forms Q1209R.
Identifiers: ClinVar variation 4020788 (VCV004020788.2).
Genomic context (GRCh38, chrX:154,930,164, plus strand): 5'-ACTACATTCTCTTGGATTAATGTTTCCTTCTTTTCTATTTCTTCCTGAATTTTTTTTTCT[T>C]GATTGTGTGTATTATTTTCATGTAAATTATCCAAGTTAGTAAGAAATAGGTTTCTGCTGC-3'
Protein context (NP_000123.1, residues 1199-1219): DNLHENNTHN[Gln1209Arg]EKKIQEEIEK

ClinVar aggregate classification (germline): Uncertain significance. Review status: criteria provided, multiple submitters, no conflicts (2 of 4 stars). 2 submissions from 2 submitters: Uncertain significance (2). Last evaluated 2026-01-16.

Conditions:
Inborn genetic diseases. Identifiers: MedGen C0950123, MeSH D030342.

gnomAD v4.1: 19 of 1,205,700 alleles (0.0016%); highest among the groups gnomAD compares: Non-Finnish European, 0.0021%; no homozygotes.

Submissions (2):

Women's Health and Genetics/Laboratory Corporation of America, LabCorp
Classification: Uncertain significance. Last evaluated: 2026-01-16. Review status: criteria provided, single submitter. Criteria: LabCorp Variant Classification Summary - May 2015. Collection method: clinical testing. Allele origin: germline.
Comment: Variant summary: F8 c.3626A>G (p.Gln1209Arg) results in a conservative amino acid change in the encoded protein sequence. Algorithms developed to predict the effect of missense changes on protein structure and function are either unavailable or do not agree on the potential impact of this missense change. The variant allele was found at a frequency of 1.1e-05 in 175312 control chromosomes. The available data on variant occurrences in the general population are insufficient to allow any conclusion about variant significance. To our knowledge, no occurrence of c.3626A>G in individuals affected with F8-related conditions and no experimental evidence demonstrating its impact on protein function have been reported. ClinVar contains an entry for this variant (Variation ID: 4020788). Based on the evidence outlined above, the variant was classified as uncertain significance.

Ambry Genetics
Classification: Uncertain significance for Inborn genetic diseases. Last evaluated: 2025-06-09. Review status: criteria provided, single submitter. Criteria: Ambry Variant Classification Scheme 2023. Collection method: clinical testing. Allele origin: germline.